The following is an entry in ClinVar:

NM_144670.6(A2ML1):c.4040T>C (p.Leu1347Ser)

Gene: A2ML1 (alpha-2-macroglobulin like 1; plus strand). Cytogenetic location: 12p13.31.
Variant type: single nucleotide variant.
Coding change: c.4040T>C on transcript NM_144670.6 (MANE Select); coding-DNA position 4040, T replaced by C.
Protein change: p.Leu1347Ser; replaces leucine 1347 with serine.
Molecular consequence: missense variant.
Genome position (GRCh38, 1-based): chr12:8,868,336, T>C. VCF-style: chr12-8868336-T-C. GRCh37 (hg19) VCF-style: chr12-9020932-T-C.
Other names: c.2567T>C, p.Leu856Ser (NM_001282424.3); short protein forms L1347S, L856S.
Identifiers: ClinVar variation 3632733 (VCV003632733.2).

ClinVar aggregate classification (germline): Uncertain significance (1 of 4 stars; one submission).

gnomAD v4.1: 4 of 1,613,548 alleles (0.00025%); highest among the groups gnomAD compares: Non-Finnish European, 0.00034%; no homozygotes.

Submission:

Labcorp Genetics (formerly Invitae), Labcorp
Classification: Uncertain significance. Last evaluated: 2024-08-08. Review status: criteria provided, single submitter. Criteria: Invitae Variant Classification Sherloc (09022015). Collection method: clinical testing. Allele origin: germline.
Comment: This sequence change replaces leucine, which is neutral and non-polar, with serine, which is neutral and polar, at codon 1347 of the A2ML1 protein (p.Leu1347Ser). This variant is not present in population databases (gnomAD no frequency). This variant has not been reported in the literature in individuals affected with A2ML1-related conditions. An algorithm developed to predict the effect of missense changes on protein structure and function (PolyPhen-2) suggests that this variant is likely to be disruptive. In summary, the available evidence is currently insufficient to determine the role of this variant in disease. Therefore, it has been classified as a Variant of Uncertain Significance.